The following is an entry in ClinVar:

NM_053025.4(MYLK):c.3253A>G (p.Thr1085Ala)

Gene: MYLK (myosin light chain kinase; minus strand). Cytogenetic location: 3q21.1.
Variant type: single nucleotide variant.
Coding change: c.3253A>G on transcript NM_053025.4 (MANE Select); coding-DNA position 3253, A replaced by G.
Protein change: p.Thr1085Ala; replaces threonine 1085 with alanine.
Molecular consequence: missense variant.
Genome position (GRCh38, 1-based): chr3:123,700,215, T>C on the plus strand (A>G on the coding strand, the complement: MYLK is on the minus strand). VCF-style: chr3-123700215-T-C. GRCh37 (hg19) VCF-style: chr3-123419062-T-C.
Other names: c.2725A>G, p.Thr909Ala (NM_001321309.2); c.3046A>G, p.Thr1016Ala (NM_053026.4, NM_053028.4); c.3253A>G, p.Thr1085Ala (NM_053027.4); short protein forms T1085A, T909A, T1016A.
Identifiers: ClinVar variation 226761 (VCV000226761.41), dbSNP rs75370906, ClinGen allele CA069510.
Genomic context (GRCh38, chr3:123,700,215, plus strand): 5'-GCAGCTTCTGCTTGAAGGCTGGGGCTGTCCCCTGGCTCTCTGATCTCTTTTCATTATCTG[T>C]GGTCCCTGCATGGCCTCTCTTGCAGTTCACATCATTCTTAACGTCTTTCTTGAGTTCTTC-3'
Protein context (NP_444253.3, residues 1075-1095): VNCKRGHAGT[Thr1085Ala]DNEKRSESQG

ClinVar aggregate classification (germline): Benign. Review status: criteria provided, multiple submitters, no conflicts (2 of 4 stars). 13 submissions from 13 submitters: Benign (11). 2 of the submissions do not count toward it. Last evaluated 2026-02-03.

Conditions:
Familial thoracic aortic aneurysm and aortic dissection (TAAD). Also called: Thoracic aortic aneurysms and dissections. Identifiers: Orphanet 91387, MedGen C4707243, MONDO:0019625.
Aortic aneurysm, familial thoracic 7 (AAT7). Also called: AORTIC DISSECTION, FAMILIAL, WITH OR WITHOUT AORTIC ANEURYSM. Identifiers: MedGen C3151077, MONDO:0013418, OMIM 613780.

Allele frequency attached by ClinVar (database versions not stated): gnomAD exomes 0.00607 and 0.01516; ExAC 0.01858; gnomAD 0.05750 and 0.06202; 1000 Genomes Project 0.06310; 1000 Genomes Project 30x 0.06340; ESP Exome Variant Server 0.06466; TOPMed 0.06475.
gnomAD v4.1: 17,994 of 1,613,864 alleles (1.1%); highest among the groups gnomAD compares: African/African-American, 20%; 1,602 homozygotes.

Submissions (13):

Labcorp Genetics (formerly Invitae), Labcorp
Classification: Benign for Aortic aneurysm, familial thoracic 7. Last evaluated: 2026-02-03. Review status: criteria provided, single submitter. Criteria: Invitae Variant Classification Sherloc (09022015). Collection method: clinical testing. Allele origin: germline.

ARUP Laboratories, Molecular Genetics and Genomics, ARUP Laboratories
Classification: Benign. Last evaluated: 2025-07-28. Review status: criteria provided, single submitter. Criteria: ARUP Molecular Germline Variant Investigation Process 2024. Collection method: clinical testing. Allele origin: germline.

CHEO Genetics Diagnostic Laboratory, Children's Hospital of Eastern Ontario
Classification: Benign for Familial thoracic aortic aneurysm and aortic dissection. Last evaluated: 2023-03-28. Review status: criteria provided, single submitter. Criteria: ACMG Guidelines, 2015. Collection method: clinical testing. Allele origin: germline.

Women's Health and Genetics/Laboratory Corporation of America, LabCorp
Classification: Benign. Last evaluated: 2019-08-26. Review status: criteria provided, single submitter. Criteria: LabCorp Variant Classification Summary - May 2015. Collection method: clinical testing. Allele origin: germline.
Comment: Variant summary: MYLK c.3253A>G (p.Thr1085Ala) results in a non-conservative amino acid change in the encoded protein sequence. Four of five in-silico tools predict a benign effect of the variant on protein function. The variant allele was found at a frequency of 0.015 in 251472 control chromosomes in the gnomAD database, including 346 homozygotes. The observed variant frequency is approximately 606 fold of the estimated maximal expected allele frequency for a pathogenic variant in MYLK causing Aortopathy phenotype (2.5e-05), strongly suggesting that the variant is benign. A co-occurrence with a pathogenic variant has been reported (TGFBR1 c.1460G>A, p.Arg487Gln; LabCorp). Five clinical diagnostic laboratories have submitted clinical-significance assessments for this variant to ClinVar after 2014 without evidence for independent evaluation (1x likely benign, 4x benign). Based on the evidence outlined above, the variant was classified as benign.

Illumina Laboratory Services, Illumina
Classification: Benign for Aortic aneurysm, familial thoracic 7. Last evaluated: 2018-01-12. Review status: criteria provided, single submitter. Criteria: ICSL Variant Classification Criteria 13 December 2019. Collection method: clinical testing. Allele origin: germline.
Comment: This variant was observed in the ICSL laboratory as part of a predisposition screen in an ostensibly healthy population. It had not been previously curated by ICSL or reported in the Human Gene Mutation Database (HGMD: prior to June 1st, 2018), and was therefore a candidate for classification through an automated scoring system. Utilizing variant allele frequency, disease prevalence and penetrance estimates, and inheritance mode, an automated score was calculated to assess if this variant is too frequent to cause the disease. Based on the score and internal cut-off values, a variant classified as benign is not then subjected to further curation. The score for this variant resulted in a classification of benign for this disease.

GeneDx
Classification: Benign. Last evaluated: 2016-09-28. Review status: criteria provided, single submitter. Criteria: GeneDx Variant Classification (06012015). Collection method: clinical testing. Allele origin: germline. Affected: yes.
Comment: This variant is considered likely benign or benign based on one or more of the following criteria: it is a conservative change, it occurs at a poorly conserved position in the protein, it is predicted to be benign by multiple in silico algorithms, and/or has population frequency not consistent with disease.

Ambry Genetics
Classification: Benign for Familial thoracic aortic aneurysm and aortic dissection. Last evaluated: 2015-04-02. Review status: criteria provided, single submitter. Criteria: Ambry Variant Classification Scheme 2023. Collection method: clinical testing. Allele origin: germline.

Mayo Clinic Laboratories, Mayo Clinic
Classification: Benign. Last evaluated: 2015-03-17. Review status: criteria provided, single submitter. Criteria: ACMG Guidelines, 2015. Collection method: clinical testing. Allele origin: germline. Observed: 35 variant alleles.

Laboratory for Molecular Medicine, Mass General Brigham Personalized Medicine
Classification: Benign. Last evaluated: 2013-04-04. Review status: criteria provided, single submitter. Criteria: LMM Criteria. Collection method: clinical testing. Allele origin: germline. Observed: 2 variant alleles.
Comment: Thr1085Ala in exon 18 of MYLK: This variant is not expected to have clinical sig nificance because it has been identified in 18.9% (832/4406) of African American chromosomes from a broad population by the NHLBI Exome Sequencing Project (dbSNP rs75370906).

Breakthrough Genomics
Classification: Benign. Review status: criteria provided, single submitter. Criteria: ACMG Guidelines, 2015. Collection method: not provided. Allele origin: germline. Inheritance: Autosomal recessive inheritance. Affected: yes.

PreventionGenetics, part of Exact Sciences
Classification: Benign. Review status: criteria provided, single submitter. Criteria: ACMG Guidelines, 2015. Collection method: clinical testing. Allele origin: germline.

Clinical Genetics DNA and cytogenetics Diagnostics Lab, Erasmus MC, Erasmus Medical Center
Classification: Benign. Review status: no assertion criteria provided. Collection method: clinical testing. Allele origin: germline. Affected: yes. Study: VKGL Data-share Consensus. Not counted in ClinVar's aggregate classification.

Genome Diagnostics Laboratory, Amsterdam University Medical Center
Classification: Benign. Review status: no assertion criteria provided. Collection method: clinical testing. Allele origin: germline. Affected: yes. Study: VKGL Data-share Consensus. Not counted in ClinVar's aggregate classification.